The following is an entry in ClinVar:

ClinVar aggregate classification (germline): Uncertain significance (1 of 4 stars; one submission).

Submission:

Labcorp Genetics (formerly Invitae), Labcorp
Classification: Uncertain significance. Last evaluated: 2022-07-19. Review status: criteria provided, single submitter. Criteria: Invitae Variant Classification Sherloc (09022015). Collection method: clinical testing. Allele origin: germline.
Comment: Algorithms developed to predict the effect of missense changes on protein structure and function are either unavailable or do not agree on the potential impact of this missense change (SIFT: "Deleterious"; PolyPhen-2: "Probably Damaging"; Align-GVGD: "Class C0"). In summary, the available evidence is currently insufficient to determine the role of this variant in disease. Therefore, it has been classified as a Variant of Uncertain Significance. This variant has not been reported in the literature in individuals affected with SCN3A-related conditions. This sequence change replaces isoleucine, which is neutral and non-polar, with valine, which is neutral and non-polar, at codon 1530 of the SCN3A protein (p.Ile1530Val). This variant is not present in population databases (gnomAD no frequency).

NM_006922.4(SCN3A):c.4588A>G (p.Ile1530Val)

Gene: SCN3A (sodium voltage-gated channel alpha subunit 3; minus strand). Cytogenetic location: 2q24.3.
Variant type: single nucleotide variant.
Coding change: c.4588A>G on transcript NM_006922.4 (MANE Select); coding-DNA position 4588, A replaced by G.
Protein change: p.Ile1530Val; replaces isoleucine 1530 with valine.
Molecular consequence: missense variant.
Genome position (GRCh38, 1-based): chr2:165,092,473, T>C on the plus strand (A>G on the coding strand, the complement: SCN3A is on the minus strand). VCF-style: chr2-165092473-T-C. GRCh37 (hg19) VCF-style: chr2-165948983-T-C.
Other names: c.4441A>G, p.Ile1481Val (NM_001081676.2, NM_001081677.2); short protein forms I1481V, I1530V.
Identifiers: ClinVar variation 2077001 (VCV002077001.4), dbSNP rs2468047898, ClinGen allele CA349019281.